The following is an entry in ClinVar:

ClinVar aggregate classification (germline): Likely benign. Review status: criteria provided, multiple submitters, no conflicts (2 of 4 stars). 2 submissions from 2 submitters: Likely benign (2). Last evaluated 2024-02-11.

gnomAD v4.1: 37 of 1,613,660 alleles (0.0023%); highest among the groups gnomAD compares: Admixed American, 0.028%; no homozygotes.

Submissions (2):

Labcorp Genetics (formerly Invitae), Labcorp
Classification: Likely benign. Last evaluated: 2024-02-11. Review status: criteria provided, single submitter. Criteria: Invitae Variant Classification Sherloc (09022015). Collection method: clinical testing. Allele origin: germline.

CeGaT Center for Human Genetics Tuebingen
Classification: Likely benign. Last evaluated: 2022-09-01. Review status: criteria provided, single submitter. Criteria: CeGaT Center For Human Genetics Tuebingen Variant Classification Criteria Version 2. Collection method: clinical testing. Allele origin: germline. Affected: yes. Observed: 1 variant allele.
Comment: PDGFB: BP4, BP7

NM_002608.4(PDGFB):c.579G>A (p.Pro193=)

Gene: PDGFB (platelet derived growth factor subunit B; minus strand). Cytogenetic location: 22q13.1.
Variant type: single nucleotide variant.
Coding change: c.579G>A on transcript NM_002608.4 (MANE Select); coding-DNA position 579, G replaced by A.
Protein change: p.Pro193=; no amino-acid change (proline 193 retained).
Molecular consequence: synonymous variant.
Genome position (GRCh38, 1-based): chr22:39,230,106, C>T on the plus strand (G>A on the coding strand, the complement: PDGFB is on the minus strand). VCF-style: chr22-39230106-C-T. GRCh37 (hg19) VCF-style: chr22-39626111-C-T.
Other names: c.534G>A, p.Pro178= (NM_033016.3).
Identifiers: ClinVar variation 2653142 (VCV002653142.26), dbSNP rs149693918, ClinGen allele CA10240068.